The following is an entry in ClinVar:

ClinVar aggregate classification (germline): Uncertain significance (1 of 4 stars; one submission).

Conditions:
Frontotemporal dementia and/or amyotrophic lateral sclerosis 4. Also called: FTDALS4. Identifiers: Orphanet 275872, MedGen C4225325, MONDO:0014641, OMIM 616439.

Allele frequency attached by ClinVar (database versions not stated): gnomAD exomes 0.00001; ExAC 0.00002.
gnomAD v4.1: 21 of 1,611,794 alleles (0.0013%); highest among the groups gnomAD compares: Non-Finnish European, 0.0017%; no homozygotes.

Submission:

Labcorp Genetics (formerly Invitae), Labcorp
Classification: Uncertain significance for Frontotemporal dementia and/or amyotrophic lateral sclerosis 4. Last evaluated: 2023-09-22. Review status: criteria provided, single submitter. Criteria: Invitae Variant Classification Sherloc (09022015). Collection method: clinical testing. Allele origin: germline.
Comment: In summary, the available evidence is currently insufficient to determine the role of this variant in disease. Therefore, it has been classified as a Variant of Uncertain Significance. Advanced modeling of protein sequence and biophysical properties (such as structural, functional, and spatial information, amino acid conservation, physicochemical variation, residue mobility, and thermodynamic stability) performed at Invitae indicates that this missense variant is not expected to disrupt TBK1 protein function. ClinVar contains an entry for this variant (Variation ID: 1514353). This variant has not been reported in the literature in individuals affected with TBK1-related conditions. This variant is present in population databases (rs751890932, gnomAD 0.003%). This sequence change replaces alanine, which is neutral and non-polar, with valine, which is neutral and non-polar, at codon 245 of the TBK1 protein (p.Ala245Val).

NM_013254.4(TBK1):c.734C>T (p.Ala245Val)

Gene: TBK1 (TANK binding kinase 1; plus strand). Cytogenetic location: 12q14.2.
Variant type: single nucleotide variant.
Coding change: c.734C>T on transcript NM_013254.4 (MANE Select); coding-DNA position 734, C replaced by T.
Protein change: p.Ala245Val; replaces alanine 245 with valine.
Molecular consequence: missense variant.
Genome position (GRCh38, 1-based): chr12:64,480,044, C>T. VCF-style: chr12-64480044-C-T. GRCh37 (hg19) VCF-style: chr12-64873824-C-T.
Other names: short protein forms A245V.
Identifiers: ClinVar variation 1514353 (VCV001514353.6), dbSNP rs751890932, ClinGen allele CA6668888.